The following is an entry in ClinVar:

NM_020117.11(LARS1):c.294+8C>T

Gene: LARS1 (leucyl-tRNA synthetase 1; minus strand). Cytogenetic location: 5q32.
Variant type: single nucleotide variant.
Coding change: c.294+8C>T on transcript NM_020117.11 (MANE Select); 8 bases into the intron after coding-DNA position 294, C replaced by T.
Molecular consequence: intron variant.
Genome position (GRCh38, 1-based): chr5:146,171,902, G>A on the plus strand (C>T on the coding strand, the complement: LARS1 is on the minus strand). VCF-style: chr5-146171902-G-A. GRCh37 (hg19) VCF-style: chr5-145551465-G-A.
Other names: c.132+8C>T (NM_001317965.2); c.213+785C>T (NM_016460.4); c.294+8C>T (NM_001317964.2, NM_020117.10).
Identifiers: ClinVar variation 138078 (VCV000138078.11), dbSNP rs188699530, ClinGen allele CA291871.

ClinVar aggregate classification (germline): Benign. Review status: criteria provided, multiple submitters, no conflicts (2 of 4 stars). 3 submissions from 3 submitters: Benign (2). 1 of the submissions does not count toward it. Last evaluated 2026-02-04.

Conditions:
LARS1-related disorder. Also called: LARS1-related condition.

Allele frequency attached by ClinVar (database versions not stated): gnomAD exomes 0.00072; ExAC 0.00087; 1000 Genomes Project 0.00200; ESP Exome Variant Server 0.00208; 1000 Genomes Project 30x 0.00250; gnomAD 0.00250 and 0.00270; TOPMed 0.00307.
gnomAD v4.1: 755 of 1,602,868 alleles (0.047%); highest among the groups gnomAD compares: African/African-American, 0.82%; 5 homozygotes.

Submissions (3):

Labcorp Genetics (formerly Invitae), Labcorp
Classification: Benign. Last evaluated: 2026-02-04. Review status: criteria provided, single submitter. Criteria: Invitae Variant Classification Sherloc (09022015). Collection method: clinical testing. Allele origin: germline.

GeneDx
Classification: Benign. Last evaluated: 2014-06-09. Review status: criteria provided, single submitter. Criteria: GeneDx Variant Classification (06012015). Collection method: clinical testing. Allele origin: germline. Affected: yes.
Comment: This variant is considered likely benign or benign based on one or more of the following criteria: it is a conservative change, it occurs at a poorly conserved position in the protein, it is predicted to be benign by multiple in silico algorithms, and/or has population frequency not consistent with disease.

PreventionGenetics, part of Exact Sciences
Classification: Benign for LARS1-related condition. Last evaluated: 2019-08-22. Review status: no assertion criteria provided. Collection method: clinical testing. Allele origin: germline. Not counted in ClinVar's aggregate classification.
Comment: This variant is classified as benign based on ACMG/AMP sequence variant interpretation guidelines (Richards et al. 2015 PMID: 25741868, with internal and published modifications).